The following is an entry in ClinVar:

NM_017534.6(MYH2):c.2435A>G (p.Glu812Gly)

Genes: MYH2 (myosin heavy chain 2; minus strand), MYHAS (myosin heavy chain gene cluster antisense RNA; plus strand). Cytogenetic location: 17p13.1.
Variant type: single nucleotide variant.
Coding change: c.2435A>G on transcript NM_017534.6 (MANE Select); coding-DNA position 2435, A replaced by G.
Protein change: p.Glu812Gly; replaces glutamic acid 812 with glycine.
Molecular consequence: missense variant.
Genome position (GRCh38, 1-based): chr17:10,533,291, T>C on the plus strand (A>G on the coding strand, the complement: MYH2 is on the minus strand). VCF-style: chr17-10533291-T-C. GRCh37 (hg19) VCF-style: chr17-10436608-T-C.
Other names: c.2435A>G, p.Glu812Gly (NM_001100112.2); short protein forms E812G.
Identifiers: ClinVar variation 663576 (VCV000663576.6), dbSNP rs1597452607, ClinGen allele CA398147839.

ClinVar aggregate classification (germline): Uncertain significance (1 of 4 stars; one submission).

Conditions:
Myopathy, proximal, and ophthalmoplegia (CMYO6). Also called: INCLUSION BODY MYOPATHY 3, AUTOSOMAL DOMINANT; MYOPATHY WITH CONGENITAL JOINT CONTRACTURES, OPHTHALMOPLEGIA, AND RIMMED VACUOLES; CONGENITAL MYOPATHY 6 WITH OPHTHALMOPLEGIA. Identifiers: Orphanet 363677, Orphanet 79091, MedGen C1854106, MONDO:0011577, OMIM 605637.

Allele frequency attached by ClinVar (database versions not stated): gnomAD exomes below 0.00001; gnomAD 0.00001.
gnomAD v4.1: 3 of 1,614,066 alleles (0.00019%); highest among the groups gnomAD compares: Non-Finnish European, 0.00025%; no homozygotes.

Submission:

Labcorp Genetics (formerly Invitae), Labcorp
Classification: Uncertain significance for Myopathy, proximal, and ophthalmoplegia. Last evaluated: 2018-10-12. Review status: criteria provided, single submitter. Criteria: Invitae Variant Classification Sherloc (09022015). Collection method: clinical testing. Allele origin: germline.
Comment: This sequence change replaces glutamic acid with glycine at codon 812 of the MYH2 protein (p.Glu812Gly). The glutamic acid residue is highly conserved and there is a moderate physicochemical difference between glutamic acid and glycine. This variant is not present in population databases (ExAC no frequency). This variant has not been reported in the literature in individuals with MYH2-related disease. Algorithms developed to predict the effect of missense changes on protein structure and function are either unavailable or do not agree on the potential impact of this missense change (SIFT: "Deleterious"; PolyPhen-2: "Benign"; Align-GVGD: "Class C65"). In summary, the available evidence is currently insufficient to determine the role of this variant in disease. Therefore, it has been classified as a Variant of Uncertain Significance.